The following is an entry in ClinVar:

NC_000007.14:g.130388311G>A

Gene: CPA1 (carboxypeptidase A1; plus strand). Cytogenetic location: 7q32.2.
Variant type: single nucleotide variant.
Genome position: GRCh38 VCF-style: chr7-130388311-G-A. GRCh37 (hg19) VCF-style: chr7-130028152-G-A.
Identifiers: ClinVar variation 1804543 (VCV001804543.2), dbSNP rs190956070, ClinGen allele CA166893482.
Genomic context (GRCh38, chr7:130,388,311, plus strand): 5'-CTGTTTTAATTAGACCACCCTGAGTTCAGCTCACCAGTGGGATGATTTGTTCATACCTTA[G>A]TAGCAAGCAGCAGCAACAGCTGCTAACCAAATGCCCGGCACCCCACAGTGGTGTGGAATT-3'

ClinVar aggregate classification (germline): Likely benign (1 of 4 stars; one submission).

Allele frequency attached by ClinVar (database versions not stated): 1000 Genomes Project 0.00220; 1000 Genomes Project 30x 0.00312.

Submission:

GeneDx
Classification: Likely benign. Last evaluated: 2019-06-27. Review status: criteria provided, single submitter. Criteria: GeneDx Variant Classification Process June 2021. Collection method: clinical testing. Allele origin: germline. Affected: yes.
Comment: See Variant Classification Assertion Criteria.